The following is an entry in ClinVar:

NM_139058.3(ARX):c.625_636dup (p.Gly212_Ser213insGlyGlyProGly)

Gene: ARX (aristaless related homeobox; minus strand). Cytogenetic location: Xp21.3.
Variant type: Duplication.
Coding change: c.625_636dup on transcript NM_139058.3 (MANE Select); coding-DNA positions 625 to 636, 12 bases duplicated (GGCGGCCCGGGC).
Protein change: p.Gly212_Ser213insGlyGlyProGly.
Molecular consequence: inframe insertion.
Genome position (GRCh38, 1-based): chrX:25,013,359-25,013,370, GCCCGGGCCGCC duplicated on the plus strand (GGCGGCCCGGGC on the coding strand, the reverse complement: ARX is on the minus strand); duplicating any 12 consecutive bases within chrX:25,013,359-25,013,371 gives the same sequence; the c. name uses the placement nearest the transcript's 3' end. VCF-style (leftmost placement, unchanged base first): chrX-25013358-T-TGCCCGGGCCGCC. GRCh37 (hg19) VCF-style: chrX-25031475-T-TGCCCGGGCCGCC.
Identifiers: ClinVar variation 1950623 (VCV001950623.4), dbSNP rs1416992647, ClinGen allele CA641364631.

ClinVar aggregate classification (germline): Uncertain significance (1 of 4 stars; one submission).

Conditions:
Developmental and epileptic encephalopathy, 1 (DEE1). Also called: X-linked infantile spasms; West's syndrome; Tonic spasms with clustering, arrest of psychomotor development and hypsarrhythmia on EEG; X-Linked Infantile Spasm Syndrome; OHTAHARA SYNDROME, X-LINKED; INFANTILE SPASM SYNDROME, X-LINKED 1. Identifiers: MedGen C3463992, MONDO:0010632, OMIM 308350. Disease mechanism: loss of function.
Intellectual disability, X-linked, with or without seizures, ARX-related. Also called: MENTAL RETARDATION, X-LINKED 29; MENTAL RETARDATION, X-LINKED 32; MENTAL RETARDATION, X-LINKED 33; MENTAL RETARDATION, X-LINKED 38; MENTAL RETARDATION, X-LINKED 43; MENTAL RETARDATION, X-LINKED 76. Identifiers: Orphanet 777, MedGen C0796244, MONDO:0010317, OMIM 300419.

Submission:

Labcorp Genetics (formerly Invitae), Labcorp
Classification: Uncertain significance for Developmental and epileptic encephalopathy, 1; Intellectual disability, X-linked, with or without seizures, ARX-related. Last evaluated: 2025-08-11. Review status: criteria provided, single submitter. Criteria: Invitae Variant Classification Sherloc (09022015). Collection method: clinical testing. Allele origin: germline.
Comment: This variant, c.625_636dup, results in the insertion of 4 amino acid(s) of the ARX protein (p.Gly209_Gly212dup), but otherwise preserves the integrity of the reading frame. This variant is present in population databases (no rsID available, gnomAD 0.01%), including at least one homozygous and/or hemizygous individual. This variant has not been reported in the literature in individuals affected with ARX-related conditions. ClinVar contains an entry for this variant (Variation ID: 1950623). In summary, the available evidence is currently insufficient to determine the role of this variant in disease. Therefore, it has been classified as a Variant of Uncertain Significance.